The following is an entry in ClinVar:

ClinVar aggregate classification (germline): Likely benign. Review status: criteria provided, single submitter (1 of 4 stars). 2 submissions from 2 submitters: Likely benign (1). 1 of the submissions does not count toward it. Last evaluated 2023-07-26.

Conditions:
Joubert syndrome. Also called: CEREBELLOPARENCHYMAL DISORDER IV; JOUBERT-BOLTSHAUSER SYNDROME; Familial aplasia of the vermis. Identifiers: Orphanet 475, MedGen C5979921, MONDO:0018772.
Nephronophthisis. Also called: Juvenile Nephronophthisis. Identifiers: Orphanet 655, MedGen C0687120, MONDO:0019005, HP:0000090.
Meckel-Gruber syndrome. Also called: DYSENCEPHALIA SPLANCHNOCYSTICA; GRUBER SYNDROME; Dysencephalia splachnocystica. Identifiers: Orphanet 564, MedGen C0265215, MONDO:0018921.
CEP290-related disorder. Also called: CEP290-related condition; CEP290-related disorders. Identifiers: MedGen CN239314.

Allele frequency attached by ClinVar (database versions not stated): gnomAD exomes below 0.00001; gnomAD 0.00001; TOPMed 0.00001.

Submissions (2):

Labcorp Genetics (formerly Invitae), Labcorp
Classification: Likely benign for Joubert syndrome; Meckel-Gruber syndrome; Nephronophthisis. Last evaluated: 2023-07-26. Review status: criteria provided, single submitter. Criteria: Invitae Variant Classification Sherloc (09022015). Collection method: clinical testing. Allele origin: germline.

PreventionGenetics, part of Exact Sciences
Classification: Likely benign for CEP290-related condition. Last evaluated: 2024-03-14. Review status: no assertion criteria provided. Collection method: clinical testing. Allele origin: germline. Not counted in ClinVar's aggregate classification.
Comment: This variant is classified as likely benign based on ACMG/AMP sequence variant interpretation guidelines (Richards et al. 2015 PMID: 25741868, with internal and published modifications).

NM_025114.4(CEP290):c.2712A>G (p.Val904=)

Gene: CEP290 (centrosomal protein 290; minus strand). Cytogenetic location: 12q21.32.
Variant type: single nucleotide variant.
Coding change: c.2712A>G on transcript NM_025114.4 (MANE Select); coding-DNA position 2712, A replaced by G.
Protein change: p.Val904=; no amino-acid change (valine 904 retained).
Molecular consequence: synonymous variant.
Genome position (GRCh38, 1-based): chr12:88,106,780, T>C on the plus strand (A>G on the coding strand, the complement: CEP290 is on the minus strand). VCF-style: chr12-88106780-T-C. GRCh37 (hg19) VCF-style: chr12-88500557-T-C.
Other names: c.2712A>G (NM_025114.3).
Identifiers: ClinVar variation 1661570 (VCV001661570.9), dbSNP rs1371763035, ClinGen allele CA481304023.
Genomic context (GRCh38, chr12:88,106,780, plus strand): 5'-CATTGACAACAATTCATTCTTTTGCTTCTCATTTTCTTTTCTAAGTTGTCGCTCCAATTC[T>C]ACTAAGGTTGTATATTGCCTTATAAGTGATTTTTCATTCACTTGCAAAACAGTAATTTTC-3'
Protein context (NP_079390.3, residues 894-914): KSLIRQYTTL[Val904=]ELERQLRKEN